The following is an entry in ClinVar:

NM_004104.5(FASN):c.6160C>T (p.Pro2054Ser)

Gene: FASN (fatty acid synthase; minus strand). Cytogenetic location: 17q25.3.
Variant type: single nucleotide variant.
Coding change: c.6160C>T on transcript NM_004104.5 (MANE Select); coding-DNA position 6160, C replaced by T.
Protein change: p.Pro2054Ser; replaces proline 2054 with serine.
Molecular consequence: missense variant.
Genome position (GRCh38, 1-based): chr17:82,082,012, G>A on the plus strand (C>T on the coding strand, the complement: FASN is on the minus strand). VCF-style: chr17-82082012-G-A. GRCh37 (hg19) VCF-style: chr17-80039888-G-A.
Other names: short protein forms P2054S.
Identifiers: ClinVar variation 1352038 (VCV001352038.6), dbSNP rs2144782637, ClinGen allele CA401601998.

ClinVar aggregate classification (germline): Uncertain significance (1 of 4 stars; one submission).

Conditions:
Epileptic encephalopathy. Identifiers: MedGen C0543888, HP:0200134.

Allele frequency attached by ClinVar (database versions not stated): gnomAD exomes below 0.00001.
gnomAD v4.1: 2 of 1,607,860 alleles (0.00012%); highest among the groups gnomAD compares: East Asian, 0.0022%; no homozygotes.

Submission:

Labcorp Genetics (formerly Invitae), Labcorp
Classification: Uncertain significance for Epileptic encephalopathy. Last evaluated: 2022-12-06. Review status: criteria provided, single submitter. Criteria: Invitae Variant Classification Sherloc (09022015). Collection method: clinical testing. Allele origin: germline.
Comment: In summary, the available evidence is currently insufficient to determine the role of this variant in disease. Therefore, it has been classified as a Variant of Uncertain Significance. Algorithms developed to predict the effect of missense changes on protein structure and function are either unavailable or do not agree on the potential impact of this missense change (SIFT: "Deleterious"; PolyPhen-2: "Possibly Damaging"; Align-GVGD: "Class C0"). ClinVar contains an entry for this variant (Variation ID: 1352038). This variant has not been reported in the literature in individuals affected with FASN-related conditions. This variant is not present in population databases (gnomAD no frequency). This sequence change replaces proline, which is neutral and non-polar, with serine, which is neutral and polar, at codon 2054 of the FASN protein (p.Pro2054Ser).